The following is an entry in ClinVar:

ClinVar aggregate classification (germline): Uncertain significance (1 of 4 stars; one submission).

Submission:

Labcorp Genetics (formerly Invitae), Labcorp
Classification: Uncertain significance. Last evaluated: 2023-05-23. Review status: criteria provided, single submitter. Criteria: Invitae Variant Classification Sherloc (09022015). Collection method: clinical testing. Allele origin: germline.
Comment: An algorithm developed to predict the effect of missense changes on protein structure and function (PolyPhen-2) suggests that this variant is likely to be disruptive. This sequence change replaces alanine, which is neutral and non-polar, with aspartic acid, which is acidic and polar, at codon 418 of the SLC7A14 protein (p.Ala418Asp). This variant is present in population databases (no rsID available, gnomAD 0.006%). This variant has not been reported in the literature in individuals affected with SLC7A14-related conditions. In summary, the available evidence is currently insufficient to determine the role of this variant in disease. Therefore, it has been classified as a Variant of Uncertain Significance.

NM_020949.3(SLC7A14):c.1253C>A (p.Ala418Asp)

Genes: SLC7A14-AS1 (SLC7A14 antisense RNA 1; plus strand), SLC7A14 (solute carrier family 7 member 14; minus strand). Cytogenetic location: 3q26.2.
Variant type: single nucleotide variant.
Coding change: c.1253C>A on transcript NM_020949.3 (MANE Select); coding-DNA position 1253, C replaced by A.
Protein change: p.Ala418Asp; replaces alanine 418 with aspartic acid.
Molecular consequence: missense variant.
Genome position (GRCh38, 1-based): chr3:170,481,029, G>T on the plus strand (C>A on the coding strand, the complement: SLC7A14 is on the minus strand). VCF-style: chr3-170481029-G-T. GRCh37 (hg19) VCF-style: chr3-170198818-G-T.
Other names: short protein forms A418D.
Identifiers: ClinVar variation 2856188 (VCV002856188.3), dbSNP rs1439613322, ClinGen allele CA355490921.